The following is an entry in ClinVar:

NM_015346.4(ZFYVE26):c.4151G>T (p.Gly1384Val)

Gene: ZFYVE26 (zinc finger FYVE-type containing 26; minus strand). Cytogenetic location: 14q24.1.
Variant type: single nucleotide variant.
Coding change: c.4151G>T on transcript NM_015346.4 (MANE Select); coding-DNA position 4151, G replaced by T.
Protein change: p.Gly1384Val; replaces glycine 1384 with valine.
Molecular consequence: missense variant.
Genome position (GRCh38, 1-based): chr14:67,783,001, C>A on the plus strand (G>T on the coding strand, the complement: ZFYVE26 is on the minus strand). VCF-style: chr14-67783001-C-A. GRCh37 (hg19) VCF-style: chr14-68249718-C-A.
Other names: short protein forms G1384V.
Identifiers: ClinVar variation 3730968 (VCV003730968.1).

ClinVar aggregate classification (germline): Uncertain significance (1 of 4 stars; one submission).

Submission:

GeneDx
Classification: Uncertain significance. Last evaluated: 2024-08-08. Review status: criteria provided, single submitter. Criteria: GeneDx Variant Classification Process June 2021. Collection method: clinical testing. Allele origin: germline. Affected: yes.
Comment: Not observed at significant frequency in large population cohorts (gnomAD); In silico analysis indicates that this missense variant does not alter protein structure/function; Has not been previously published as pathogenic or benign to our knowledge